The following is an entry in ClinVar:

NM_001372106.1(DNAH10):c.9214A>G (p.Thr3072Ala)

Gene: DNAH10 (dynein axonemal heavy chain 10; plus strand). Cytogenetic location: 12q24.31.
Variant type: single nucleotide variant.
Coding change: c.9214A>G on transcript NM_001372106.1 (MANE Select); coding-DNA position 9214, A replaced by G.
Protein change: p.Thr3072Ala; replaces threonine 3072 with alanine.
Molecular consequence: missense variant.
Genome position (GRCh38, 1-based): chr12:123,894,657, A>G. VCF-style: chr12-123894657-A-G. GRCh37 (hg19) VCF-style: chr12-124379204-A-G.
Other names: c.8860A>G, p.Thr2954Ala (NM_207437.3); short protein forms T2954A, T3072A.
Identifiers: ClinVar variation 5005060 (VCV005005060.2).

ClinVar aggregate classification (germline): Uncertain significance (1 of 4 stars; one submission).

Conditions:
Spermatogenic failure 56. Identifiers: MedGen C5561978, MONDO:0030430, OMIM 619515.

gnomAD v4.1: 2 of 1,613,976 alleles (0.00012%); highest among the groups gnomAD compares: South Asian, 0.0022%; no homozygotes.

Submission:

Juno Genomics, Hangzhou Juno Genomics, Inc
Classification: Uncertain significance for Spermatogenic failure 56. Review status: criteria provided, single submitter. Criteria: ACMG Guidelines, 2015. Collection method: clinical testing. Allele origin: germline.
Comment: Absent from controls (or at extremely low frequency if recessive) in Genome Aggregation Database.;Missense variant in a gene that has a low rate of benign missense variation.